The following is an entry in ClinVar:

ClinVar aggregate classification (germline): Pathogenic. Review status: no assertion criteria provided (0 of 4 stars). 3 submissions from 2 submitters: Pathogenic (3). Last evaluated 2012-03-15.

Conditions:
Arthrogryposis multiplex congenita 6. Identifiers: MedGen C5543431, MONDO:0030281, OMIM 619334.
Nemaline myopathy 2 (NEM2). Also called: Nemaline myopathy 2, autosomal recessive. Identifiers: MedGen C1850569, MONDO:0009725, OMIM 256030.

Submissions (3):

GeneReviews
Classification: Pathogenic for Nemaline Myopathy. Last evaluated: 2012-03-15. Review status: no assertion criteria provided. Collection method: curation. Allele origin: unknown.
ClinVar note: Converted during submission from pathologic to Pathogenic.

OMIM
Classification: Pathogenic for NEMALINE MYOPATHY 2. Last evaluated: 2009-07-01. Review status: no assertion criteria provided. Collection method: literature only. Allele origin: germline.

OMIM
Classification: Pathogenic for ARTHROGRYPOSIS MULTIPLEX CONGENITA 6. Last evaluated: 2009-07-01. Review status: no assertion criteria provided. Collection method: literature only. Allele origin: germline.

Literature cited by the submitters: PubMed 15221447 (cited by OMIM); PubMed 19232495 (cited by OMIM); PubMed 19346529 (cited by OMIM); PubMed 22367672 (cited by OMIM); PubMed 27933661 (cited by OMIM).

NM_001164508.2(NEB):c.7431+1919_7536+374del

Gene: NEB (nebulin; minus strand). Cytogenetic location: 2q23.3.
Variant type: Deletion.
Coding change: c.7431+1919_7536+374del on transcript NM_001164508.2 (MANE Select); 1919 bases into the intron after coding-DNA position 7431 through 374 bases into the intron after coding-DNA position 7536, 2,502 bases deleted.
Molecular consequence: splice acceptor variant, splice donor variant.
Genome position (GRCh38, 1-based): chr2:151,645,756-151,648,257, 2,502 bases deleted. GRCh37 (hg19): chr2:152,502,272-152,504,773.
Other names: R2478_D2512del; c.7622-2025_7727+372del2502 (NM_004543.3); c.7432-2025_7536+372del (NM_004543.4); c.7431+1919_7536+374del (NM_004543.5, NM_001164507.2, NM_001271208.2).
Identifiers: ClinVar variation 14052 (VCV000014052.5), ClinGen allele CA341320.